The following is an entry in ClinVar:

ClinVar aggregate classification (germline): Uncertain significance (1 of 4 stars; one submission).

Conditions:
Capillary malformation-arteriovenous malformation syndrome. Also called: Capillary malformation-arteriovenous malformation. Identifiers: Orphanet 137667, MedGen C1842180, MONDO:0012016.

Submission:

Labcorp Genetics (formerly Invitae), Labcorp
Classification: Uncertain significance for Capillary malformation-arteriovenous malformation syndrome. Last evaluated: 2025-10-27. Review status: criteria provided, single submitter. Criteria: Invitae Variant Classification Sherloc (09022015). Collection method: clinical testing. Allele origin: germline.
Comment: This sequence change replaces alanine, which is neutral and non-polar, with proline, which is neutral and non-polar, at codon 29 of the RASA1 protein (p.Ala29Pro). This variant is not present in population databases (gnomAD no frequency). This variant has not been reported in the literature in individuals affected with RASA1-related conditions. An algorithm developed to predict the effect of missense changes on protein structure and function outputs the following: PolyPhen-2: "Possibly Damaging". The proline amino acid residue is found in multiple mammalian species, which suggests that this missense change does not adversely affect protein function. In summary, the available evidence is currently insufficient to determine the role of this variant in disease. Therefore, it has been classified as a Variant of Uncertain Significance.

NM_002890.3(RASA1):c.85G>C (p.Ala29Pro)

Gene: RASA1 (RAS p21 protein activator 1; plus strand). Cytogenetic location: 5q14.3.
Variant type: single nucleotide variant.
Coding change: c.85G>C on transcript NM_002890.3 (MANE Select); coding-DNA position 85, G replaced by C.
Protein change: p.Ala29Pro; replaces alanine 29 with proline.
Molecular consequence: missense variant.
Genome position (GRCh38, 1-based): chr5:87,268,536, G>C. VCF-style: chr5-87268536-G-C. GRCh37 (hg19) VCF-style: chr5-86564353-G-C.
Other names: short protein forms A29P.
Identifiers: ClinVar variation 4729999 (VCV004729999.1).